The following is an entry in ClinVar:

ClinVar aggregate classification (germline): Likely benign (1 of 4 stars; one submission).

Allele frequency attached by ClinVar (database versions not stated): gnomAD exomes 0.00011; gnomAD 0.00015; TOPMed 0.00016; ESP Exome Variant Server 0.00029; ExAC 0.00093.
gnomAD v4.1: 152 of 1,253,136 alleles (0.012%); highest among the groups gnomAD compares: Non-Finnish European, 0.0018%; 1 homozygote.

Submission:

CeGaT Center for Human Genetics Tuebingen
Classification: Likely benign. Last evaluated: 2022-05-01. Review status: criteria provided, single submitter. Criteria: CeGaT Center For Human Genetics Tuebingen Variant Classification Criteria Version 2. Collection method: clinical testing. Allele origin: germline. Affected: yes. Observed: 1 variant allele.
Comment: BEND4: BP4, BP7

NM_207406.4(BEND4):c.126G>A (p.Glu42=)

Gene: BEND4 (BEN domain containing 4; minus strand). Cytogenetic location: 4p13.
Variant type: single nucleotide variant.
Coding change: c.126G>A on transcript NM_207406.4 (MANE Select); coding-DNA position 126, G replaced by A.
Protein change: p.Glu42=; no amino-acid change (glutamic acid 42 retained).
Molecular consequence: synonymous variant.
Genome position (GRCh38, 1-based): chr4:42,152,018, C>T on the plus strand (G>A on the coding strand, the complement: BEND4 is on the minus strand). VCF-style: chr4-42152018-C-T. GRCh37 (hg19) VCF-style: chr4-42154035-C-T.
Other names: c.126G>A, p.Glu42= (NM_001159547.2).
Identifiers: ClinVar variation 2654744 (VCV002654744.24), dbSNP rs368416318, ClinGen allele CA2902924.